The following is an entry in ClinVar:

ClinVar aggregate classification (germline): Uncertain significance (1 of 4 stars; one submission).

Submission:

Labcorp Genetics (formerly Invitae), Labcorp
Classification: Uncertain significance. Last evaluated: 2021-05-18. Review status: criteria provided, single submitter. Criteria: Invitae Variant Classification Sherloc (09022015). Collection method: clinical testing. Allele origin: germline.
Comment: This sequence change replaces proline with leucine at codon 132 of the ADCY5 protein (p.Pro132Leu). The proline residue is highly conserved and there is a moderate physicochemical difference between proline and leucine. The frequency data for this variant in the population databases is considered unreliable, as metrics indicate insufficient coverage at this position in the ExAC database. This variant has not been reported in the literature in individuals with ADCY5-related conditions. Advanced modeling of protein sequence and biophysical properties (such as structural, functional, and spatial information, amino acid conservation, physicochemical variation, residue mobility, and thermodynamic stability) performed at Invitae indicates that this missense variant is not expected to disrupt ADCY5 protein function. In summary, the available evidence is currently insufficient to determine the role of this variant in disease. Therefore, it has been classified as a Variant of Uncertain Significance.

NM_183357.3(ADCY5):c.395C>T (p.Pro132Leu)

Gene: ADCY5 (adenylate cyclase 5; minus strand). Cytogenetic location: 3q21.1.
Variant type: single nucleotide variant.
Coding change: c.395C>T on transcript NM_183357.3 (MANE Select); coding-DNA position 395, C replaced by T.
Protein change: p.Pro132Leu; replaces proline 132 with leucine.
Molecular consequence: missense variant.
Genome position (GRCh38, 1-based): chr3:123,448,151, G>A on the plus strand (C>T on the coding strand, the complement: ADCY5 is on the minus strand). VCF-style: chr3-123448151-G-A. GRCh37 (hg19) VCF-style: chr3-123166998-G-A.
Other names: c.395C>T, p.Pro132Leu (NM_001378259.1); short protein forms P132L.
Identifiers: ClinVar variation 1354230 (VCV001354230.8), dbSNP rs1455648014, ClinGen allele CA354358106.